The following is an entry in ClinVar:

ClinVar aggregate classification (germline): Likely benign (1 of 4 stars; one submission).

Allele frequency attached by ClinVar (database versions not stated): TOPMed 0.00003; gnomAD exomes 0.00005; ExAC 0.00007; ESP Exome Variant Server 0.00008; 1000 Genomes Project 30x 0.00016; 1000 Genomes Project 0.00020.
gnomAD v4.1: 57 of 1,485,790 alleles (0.0038%); highest among the groups gnomAD compares: South Asian, 0.037%; 1 homozygote.

Submission:

Laboratory for Molecular Medicine, Mass General Brigham Personalized Medicine
Classification: Likely benign. Last evaluated: 2017-01-24. Review status: criteria provided, single submitter. Criteria: LMM Criteria. Collection method: clinical testing. Allele origin: germline. Observed: 1 variant allele.
Comment: p.Arg636His in exon 18 of USH1C: This variant is not expected to have clinical s ignificance due to a lack of conservation across species, including mammals. Of note, the pika, Weddell seal, opossum, Tasmanian devil, and wallaby have a hist idine (His) at this position. In addition, computational prediction tools do not suggest a high likelihood of impact to the protein.

NM_153676.4(USH1C):c.1907G>A (p.Arg636His)

Gene: USH1C (USH1 protein network component harmonin; minus strand). Cytogenetic location: 11p15.1.
Variant type: single nucleotide variant.
Coding change: c.1907G>A on transcript NM_153676.4 (MANE Select); coding-DNA position 1907, G replaced by A.
Protein change: p.Arg636His; replaces arginine 636 with histidine.
Molecular consequence: missense variant. On other transcripts: intron variant (2).
Genome position (GRCh38, 1-based): chr11:17,509,462, C>T on the plus strand (G>A on the coding strand, the complement: USH1C is on the minus strand). VCF-style: chr11-17509462-C-T. GRCh37 (hg19) VCF-style: chr11-17531009-C-T.
Other names: c.1228-7482G>A (NM_001297764.2); c.1285-7482G>A (NM_005709.4); short protein forms R636H.
Identifiers: ClinVar variation 504699 (VCV000504699.5), dbSNP rs138017852, ClinGen allele CA5904407.
Genomic context (GRCh38, chr11:17,509,462, plus strand): 5'-GGCTTCCCACTGTGGTTCTTTGCCTCCCAGTCCTCCACTGGATTGCCTGTGTCCCCAGTG[C>T]GGAAGGGATGGTTGCTCAGTGCTTCTTCCAGCGCCGAGGGCAGTGGGCGGGTGGGAGTGA-3'
Protein context (NP_710142.1, residues 626-646): LEEALSNHPF[Arg636His]TGDTGNPVED